The following is an entry in ClinVar:

NM_002834.5(PTPN11):c.18G>T (p.Trp6Cys)

Gene: PTPN11 (protein tyrosine phosphatase non-receptor type 11; plus strand). Cytogenetic location: 12q24.13.
Variant type: single nucleotide variant.
Coding change: c.18G>T on transcript NM_002834.5 (MANE Select); coding-DNA position 18, G replaced by T.
Protein change: p.Trp6Cys; replaces tryptophan 6 with cysteine.
Molecular consequence: missense variant.
Genome position (GRCh38, 1-based): chr12:112,446,279, G>T. VCF-style: chr12-112446279-G-T. GRCh37 (hg19) VCF-style: chr12-112884083-G-T.
Other names: c.18G>T, p.Trp6Cys (NM_001330437.2, NM_001374625.1, NM_080601.3); short protein forms W6C.
Identifiers: ClinVar variation 2785856 (VCV002785856.4), dbSNP rs79203122, ClinGen allele CA243707497.

ClinVar aggregate classification (germline): Uncertain significance. Review status: criteria provided, multiple submitters, no conflicts (2 of 4 stars). 2 submissions from 2 submitters: Uncertain significance (2). Last evaluated 2025-01-02.

Conditions:
Cardiovascular phenotype. Identifiers: MedGen CN230736.
RASopathy. Also called: rasopathies; Noonan spectrum disorder. Identifiers: Orphanet 536391, MedGen C5555857, MONDO:0021060.

Allele frequency attached by ClinVar (database versions not stated): gnomAD exomes below 0.00001.
gnomAD v4.1: 3 of 1,613,968 alleles (0.00019%); highest among the groups gnomAD compares: Non-Finnish European, 0.00017%; no homozygotes.

Submissions (2):

Ambry Genetics
Classification: Uncertain significance for Cardiovascular phenotype. Last evaluated: 2025-01-02. Review status: criteria provided, single submitter. Criteria: Ambry Variant Classification Scheme 2023. Collection method: clinical testing. Allele origin: germline.
Comment: The p.W6C variant (also known as c.18G>T), located in coding exon 2 of the PTPN11 gene, results from a G to T substitution at nucleotide position 18. The tryptophan at codon 6 is replaced by cysteine, an amino acid with highly dissimilar properties. This amino acid position is conserved. In addition, this alteration is predicted to be deleterious by in silico analysis. Based on the available evidence, the clinical significance of this variant remains unclear.

Labcorp Genetics (formerly Invitae), Labcorp
Classification: Uncertain significance for RASopathy. Last evaluated: 2023-05-02. Review status: criteria provided, single submitter. Criteria: Invitae Variant Classification Sherloc (09022015). Collection method: clinical testing. Allele origin: germline.
Comment: This sequence change replaces tryptophan, which is neutral and slightly polar, with cysteine, which is neutral and slightly polar, at codon 6 of the PTPN11 protein (p.Trp6Cys). This variant is not present in population databases (gnomAD no frequency). In summary, the available evidence is currently insufficient to determine the role of this variant in disease. Therefore, it has been classified as a Variant of Uncertain Significance. Advanced modeling of protein sequence and biophysical properties (such as structural, functional, and spatial information, amino acid conservation, physicochemical variation, residue mobility, and thermodynamic stability) performed at Invitae indicates that this missense variant is expected to disrupt PTPN11 protein function. This variant has not been reported in the literature in individuals affected with PTPN11-related conditions.